The following is an entry in ClinVar:

ClinVar aggregate classification (germline): Benign/Likely benign. Review status: criteria provided, multiple submitters, no conflicts (2 of 4 stars). 5 submissions from 5 submitters: Benign (1); Likely benign (4). Last evaluated 2026-01-27.

Conditions:
Congenital glucose-galactose malabsorption (GGM). Also called: DIARRHEA 16; MONOSACCHARIDE MALABSORPTION. Identifiers: Orphanet 35710, MedGen C0268186, MONDO:0011731, OMIM 606824.

Allele frequency attached by ClinVar (database versions not stated): gnomAD exomes 0.00023 and 0.00076; gnomAD 0.00027 and 0.00034; TOPMed 0.00038; ExAC 0.00078; 1000 Genomes Project 30x 0.00187; 1000 Genomes Project 0.00200.
gnomAD v4.1: 387 of 1,614,052 alleles (0.024%); highest among the groups gnomAD compares: East Asian, 0.79%; 2 homozygotes.

Submissions (5):

Labcorp Genetics (formerly Invitae), Labcorp
Classification: Benign for Congenital glucose-galactose malabsorption. Last evaluated: 2026-01-27. Review status: criteria provided, single submitter. Criteria: Invitae Variant Classification Sherloc (09022015). Collection method: clinical testing. Allele origin: germline.

Blueprint Genetics
Classification: Likely benign. Last evaluated: 2024-06-17. Review status: criteria provided, single submitter. Criteria: ACMG Guidelines, 2015. Collection method: clinical testing. Allele origin: germline.

Fulgent Genetics
Classification: Likely benign for Congenital glucose-galactose malabsorption. Last evaluated: 2021-11-27. Review status: criteria provided, single submitter. Criteria: ACMG Guidelines, 2015. Collection method: clinical testing. Allele origin: unknown.

Illumina Laboratory Services, Illumina
Classification: Likely benign for Congenital glucose-galactose malabsorption. Last evaluated: 2018-01-12. Review status: criteria provided, single submitter. Criteria: ICSL Variant Classification Criteria 13 December 2019. Collection method: clinical testing. Allele origin: germline.
Comment: This variant was observed in the ICSL laboratory as part of a predisposition screen in an ostensibly healthy population. It had not been previously curated by ICSL or reported in the Human Gene Mutation Database (HGMD: prior to June 1st, 2018), and was therefore a candidate for classification through an automated scoring system. Utilizing variant allele frequency, disease prevalence and penetrance estimates, and inheritance mode, an automated score was calculated to assess if this variant is too frequent to cause the disease. Based on the score and internal cut-off values, a variant classified as likely benign is not then subjected to further curation. The score for this variant resulted in a classification of likely benign for this disease.

Breakthrough Genomics
Classification: Likely benign. Review status: criteria provided, single submitter. Criteria: ACMG Guidelines, 2015. Collection method: not provided. Allele origin: germline. Inheritance: Autosomal recessive inheritance. Affected: yes.

NM_000343.4(SLC5A1):c.1200C>T (p.Ser400=)

Gene: SLC5A1 (solute carrier family 5 member 1; plus strand). Cytogenetic location: 22q12.3.
Variant type: single nucleotide variant.
Coding change: c.1200C>T on transcript NM_000343.4 (MANE Select); coding-DNA position 1200, C replaced by T.
Protein change: p.Ser400=; no amino-acid change (serine 400 retained).
Molecular consequence: synonymous variant.
Genome position (GRCh38, 1-based): chr22:32,091,682, C>T. VCF-style: chr22-32091682-C-T. GRCh37 (hg19) VCF-style: chr22-32487669-C-T.
Other names: c.819C>T, p.Ser273= (NM_001256314.2).
Identifiers: ClinVar variation 902360 (VCV000902360.14), dbSNP rs142046439, ClinGen allele CA10198182.